The following is an entry in ClinVar:

ClinVar aggregate classification (germline): Likely benign. Review status: criteria provided, multiple submitters, no conflicts (2 of 4 stars). 2 submissions from 2 submitters: Likely benign (2). Last evaluated 2024-12-23.

Conditions:
Long QT syndrome (LQTS). Identifiers: MedGen C0023976, MeSH D008133, MONDO:0002442. Disease mechanism: loss of function. Inheritance: Various modes of inheritance.

Allele frequency attached by ClinVar (database versions not stated): ExAC 0.00005; gnomAD exomes 0.00004 and 0.00001; gnomAD 0.00001; TOPMed 0.00003.
gnomAD v4.1: 16 of 1,604,482 alleles (0.001%); highest among the groups gnomAD compares: Admixed American, 0.02%; no homozygotes.

Submissions (2):

Labcorp Genetics (formerly Invitae), Labcorp
Classification: Likely benign for Long QT syndrome. Last evaluated: 2024-12-23. Review status: criteria provided, single submitter. Criteria: Invitae Variant Classification Sherloc (09022015). Collection method: clinical testing. Allele origin: germline.

GeneDx
Classification: Likely benign. Last evaluated: 2017-09-08. Review status: criteria provided, single submitter. Criteria: GeneDx Variant Classification (06012015). Collection method: clinical testing. Allele origin: germline. Affected: yes.
Comment: This variant is considered likely benign or benign based on one or more of the following criteria: it is a conservative change, it occurs at a poorly conserved position in the protein, it is predicted to be benign by multiple in silico algorithms, and/or has population frequency not consistent with disease.

NM_001148.6(ANK2):c.1882-8C>G

Gene: ANK2 (ankyrin 2; plus strand). Cytogenetic location: 4q26.
Variant type: single nucleotide variant.
Coding change: c.1882-8C>G on transcript NM_001148.6 (MANE Select); 8 bases into the intron before coding-DNA position 1882, C replaced by G.
Molecular consequence: intron variant.
Genome position (GRCh38, 1-based): chr4:113,282,667, C>G. VCF-style: chr4-113282667-C-G. GRCh37 (hg19) VCF-style: chr4-114203823-C-G.
Other names: c.1870-8C>G (NM_001386186.2, NM_001386148.2); c.1672-8C>G (NM_001354269.3); c.1846-8C>G (NM_001386187.2); c.1840-8C>G (NM_001386147.1, NM_001386160.1, NM_001354261.2); c.1819-8C>G (NM_001354254.2, NM_001354239.2, NM_001354252.2 and 10 more transcripts); c.1720-8C>G (NM_001354253.2, NM_001354270.2, NM_001354257.2 and 1 more transcripts); c.1795-8C>G (NM_001354249.2, NM_001354266.2, NM_001354276.2 and 10 more transcripts); c.1696-8C>G (NM_001386151.1, NM_001354260.2, NM_001354271.2); and 8 more.
Identifiers: ClinVar variation 516161 (VCV000516161.9), dbSNP rs3025720, ClinGen allele CA3050408.
Genomic context (GRCh38, chr4:113,282,667, plus strand): 5'-AGAGATACGTATTAGAGCAATTGTTAATCTTACTCTATATGCATGTGTTTTATTTTTGTT[C>G]TTTTTAGAATGGCTATACTCCGTTACATATTGCTGCCAAGAAGAATCAAATGCAGATAGC-3'